The following is an entry in ClinVar:

NM_006393.3(NEBL):c.1156dup (p.Arg386fs)

Gene: NEBL (nebulette; minus strand). Cytogenetic location: 10p12.31.
Variant type: Duplication.
Coding change: c.1156dup on transcript NM_006393.3 (MANE Select); coding-DNA position 1156, one base duplicated (A; older notation c.1156dupA).
Protein change: p.Arg386fs; shifts the reading frame from arginine 386.
Molecular consequence: frameshift variant. On other transcripts: intron variant (9).
Genome position (GRCh38, 1-based): chr10:20,845,329, T duplicated on the plus strand (A on the coding strand, the reverse complement: NEBL is on the minus strand); the first of 2 consecutive T bases (chr10:20,845,329-20,845,330); duplicating either gives the same sequence. VCF-style (leftmost placement, unchanged base first): chr10-20845328-C-CT. GRCh37 (hg19) VCF-style: chr10-21134257-C-CT.
Other names: c.1156dupA (NM_006393.2); c.250-32389dup (NM_001377326.1, NM_001377327.1, NM_001377328.1); c.301-32389dup (NM_001377324.1); c.292-32389dup (NM_001377325.1); c.310-32389dup (NM_001377323.1); c.358-32389dup (NM_213569.2, NM_001173484.2, NM_001377322.1); short protein forms R386fs.
Identifiers: ClinVar variation 545930 (VCV000545930.2), dbSNP rs1554784067, ClinGen allele CA658822487.

ClinVar aggregate classification (germline): Uncertain significance (1 of 4 stars; one submission).

Submission:

GeneDx
Classification: Uncertain significance. Last evaluated: 2018-05-15. Review status: criteria provided, single submitter. Criteria: GeneDx Variant Classification (06012015). Collection method: clinical testing. Allele origin: germline. Affected: yes.
Comment: The c.1156dupA variant of uncertain significance in the NEBL gene has not been published as pathogenic or been reported as benign to our knowledge. This variant is not observed in large population cohorts (Lek et al., 2016). The c.1156dupA variant causes a shift in reading frame starting at codon arginine 386, changing it to a lysine, and creating a premature stop codon at position 28 of the new reading frame, denoted p.Arg386LysfsX28. This variant is expected to result in either an abnormal, truncated protein product or loss of protein from this allele through nonsense-mediated mRNA decay. However, to date only missense variants in the NEBL gene have been reported in Human Gene Mutation Database (Stenson et al., 2014); therefore, it is unclear whether loss of function is a mechanism of disease for this gene. Observation in a significant number of affected individuals, segregation data, and functional evidence is needed to further clarify the pathogenicity of this variant.Therefore, based on the currently available information, it is unclear whether this variant is pathogenic or benign.